The following is an entry in ClinVar:

ClinVar aggregate classification (germline): Uncertain significance (1 of 4 stars; one submission).

Submission:

Labcorp Genetics (formerly Invitae), Labcorp
Classification: Uncertain significance. Last evaluated: 2022-08-08. Review status: criteria provided, single submitter. Criteria: Invitae Variant Classification Sherloc (09022015). Collection method: clinical testing. Allele origin: germline.
Comment: ClinVar contains an entry for this variant (Variation ID: 1364186). This variant has not been reported in the literature in individuals affected with USH2A-related conditions. This variant is not present in population databases (gnomAD no frequency). This sequence change replaces arginine, which is basic and polar, with lysine, which is basic and polar, at codon 39 of the USH2A protein (p.Arg39Lys). Algorithms developed to predict the effect of missense changes on protein structure and function are either unavailable or do not agree on the potential impact of this missense change (SIFT: "Deleterious"; PolyPhen-2: "Benign"; Align-GVGD: "Class C0"). In summary, the available evidence is currently insufficient to determine the role of this variant in disease. Therefore, it has been classified as a Variant of Uncertain Significance. Algorithms developed to predict the effect of sequence changes on RNA splicing suggest that this variant may create or strengthen a splice site.

NM_206933.4(USH2A):c.116G>A (p.Arg39Lys)

Gene: USH2A (usherin; minus strand). Cytogenetic location: 1q41.
Variant type: single nucleotide variant.
Coding change: c.116G>A on transcript NM_206933.4 (MANE Select); coding-DNA position 116, G replaced by A.
Protein change: p.Arg39Lys; replaces arginine 39 with lysine.
Molecular consequence: missense variant.
Genome position (GRCh38, 1-based): chr1:216,422,221, C>T on the plus strand (G>A on the coding strand, the complement: USH2A is on the minus strand). VCF-style: chr1-216422221-C-T. GRCh37 (hg19) VCF-style: chr1-216595563-C-T.
Other names: c.116G>A, p.Arg39Lys (NM_007123.6); short protein forms R39K.
Identifiers: ClinVar variation 1364186 (VCV001364186.6), dbSNP rs2102789073, ClinGen allele CA344904988.